The following is an entry in ClinVar:

ClinVar aggregate classification (germline): Uncertain significance (1 of 4 stars; one submission).

Conditions:
Hereditary sensory and autonomic neuropathy type 7. Also called: HSAN VII; Neuropathy, hereditary sensory and autonomic, type VII. Identifiers: Orphanet 391397, MedGen C3809882, MONDO:0014244, OMIM 615548.
Familial episodic pain syndrome with predominantly lower limb involvement. Also called: Episodic pain syndrome, familial, 3. Identifiers: Orphanet 391384, Orphanet 391392, MedGen C3809899, MONDO:0014247, OMIM 615552.

Allele frequency attached by ClinVar (database versions not stated): gnomAD exomes below 0.00001; TOPMed below 0.00001.

Submission:

Labcorp Genetics (formerly Invitae), Labcorp
Classification: Uncertain significance for Familial episodic pain syndrome with predominantly lower limb involvement; Hereditary sensory and autonomic neuropathy type 7. Last evaluated: 2023-08-24. Review status: criteria provided, single submitter. Criteria: Invitae Variant Classification Sherloc (09022015). Collection method: clinical testing. Allele origin: germline.
Comment: In summary, the available evidence is currently insufficient to determine the role of this variant in disease. Therefore, it has been classified as a Variant of Uncertain Significance. Advanced modeling of protein sequence and biophysical properties (such as structural, functional, and spatial information, amino acid conservation, physicochemical variation, residue mobility, and thermodynamic stability) performed at Invitae indicates that this missense variant is not expected to disrupt SCN11A protein function. This variant has not been reported in the literature in individuals affected with SCN11A-related conditions. This variant is present in population databases (no rsID available, gnomAD 0.03%). This sequence change replaces methionine, which is neutral and non-polar, with valine, which is neutral and non-polar, at codon 1674 of the SCN11A protein (p.Met1674Val).

NM_001349253.2(SCN11A):c.5020A>G (p.Met1674Val)

Gene: SCN11A (sodium voltage-gated channel alpha subunit 11; minus strand). Cytogenetic location: 3p22.2.
Variant type: single nucleotide variant.
Coding change: c.5020A>G on transcript NM_001349253.2 (MANE Select); coding-DNA position 5020, A replaced by G.
Protein change: p.Met1674Val; replaces methionine 1674 with valine.
Molecular consequence: missense variant.
Genome position (GRCh38, 1-based): chr3:38,847,050, T>C on the plus strand (A>G on the coding strand, the complement: SCN11A is on the minus strand). VCF-style: chr3-38847050-T-C. GRCh37 (hg19) VCF-style: chr3-38888541-T-C.
Other names: c.5020A>G, p.Met1674Val (NM_014139.3); short protein forms M1674V.
Identifiers: ClinVar variation 2931610 (VCV002931610.3), dbSNP rs867207553, ClinGen allele CA352161697.